The following is an entry in ClinVar:

ClinVar aggregate classification (germline): Likely pathogenic. Review status: criteria provided, single submitter (1 of 4 stars). 2 submissions from 2 submitters: Likely pathogenic (1). 1 of the submissions does not count toward it. Last evaluated 2025-06-09.

Conditions:
GNAS-related disorder. Identifiers: MedGen CN380105.

Submissions (2):

Rady Children's Institute for Genomic Medicine, Rady Children's Hospital San Diego
Classification: Likely pathogenic for GNAS-related disorders. Last evaluated: 2025-06-09. Review status: criteria provided, single submitter. Criteria: ACMG Guidelines, 2015. Collection method: clinical testing. Allele origin: germline. Affected: yes.
Comment: The GNAS gene is highly constrained (Z-score= 4.84 and pLI = 1), which suggests it is intolerant to variation. The c.139G>A (p.Gly47Ser) variant affects a highly conserved amino acid and is predicted by multiple in silico tools to have a deleterious effect on protein function. This variant has been previously reported as a de novo change within the Deciphering Developmental Disorders (DDD) study cohort (PMID: 33057194, 35982159). Additionally, this variant has been reported in the ClinVar database as de novo change in an individual with congenital hypothyroidism, pseudohypoparathyroidism, and hypocalcemia (Variation ID: 3033500). Different amino acid changes at the same residue (p.Gly47) have been previously reported in individuals with GNAS-related disorders (PMID: 29059381, 31886927, 33726816). The c.139G>A (p.Gly47Ser) variant is absent from the latest version of the gnomAD population database and thus is presumed to be rare. Based on parental analysis, this variant likely occurred as a de novo event. Based on the available evidence, c.139G>A (p.Gly47Ser) is classified as Likely Pathogenic.

PreventionGenetics, part of Exact Sciences
Classification: Likely pathogenic for GNAS-related condition. Last evaluated: 2024-03-12. Review status: no assertion criteria provided. Collection method: clinical testing. Allele origin: germline. Not counted in ClinVar's aggregate classification.
Comment: The GNAS c.139G>A variant is predicted to result in the amino acid substitution p.Gly47Ser. To our knowledge, this variant has not been reported in the literature or in a large population database, indicating this variant is rare. In addition, several other alternate amino acid substitutions at this position (p.Gly47Cys, p.Gly47Asp, p.Gly47Val) have been reported in individuals with GNAS-related disorders (Snanoudj et al 2020. PubMed ID: 31886927; Salemi et al. 2018. PubMed ID: 29059381; Stranneheim et al. 2021. PubMed ID: 33726816). We interpret this variant as likely pathogenic.

Literature cited by the submitters: PubMed 29059381 (cited by Rady Children's Institute for Genomic Medicine, Rady Children's Hospital San Diego); PubMed 31886927 (cited by Rady Children's Institute for Genomic Medicine, Rady Children's Hospital San Diego); PubMed 33057194 (cited by Rady Children's Institute for Genomic Medicine, Rady Children's Hospital San Diego); PubMed 33726816 (cited by Rady Children's Institute for Genomic Medicine, Rady Children's Hospital San Diego); PubMed 35982159 (cited by Rady Children's Institute for Genomic Medicine, Rady Children's Hospital San Diego).

NM_000516.7(GNAS):c.139G>A (p.Gly47Ser)

Gene: GNAS (GNAS complex locus; plus strand). Cytogenetic location: 20q13.32.
Variant type: single nucleotide variant.
Coding change: c.139G>A on transcript NM_000516.7 (MANE Select); coding-DNA position 139, G replaced by A.
Protein change: p.Gly47Ser; replaces glycine 47 with serine.
Molecular consequence: missense variant. On other transcripts: intron variant (8).
Genome position (GRCh38, 1-based): chr20:58,891,865, G>A. VCF-style: chr20-58891865-G-A. GRCh37 (hg19) VCF-style: chr20-57466920-G-A.
Other names: c.139G>A, p.Gly47Ser (NM_001077488.5, NM_001077489.4, NM_001309842.2 and 1 more transcripts); c.*43-3747G>A (NM_016592.5); c.44-3747G>A (NM_001410912.1); c.-38-3747G>A (NM_001309861.2); c.*1-3747G>A (NM_001077490.3); c.2069-3747G>A (NM_080425.4, NM_001410913.1); c.*159-3747G>A (NM_001309883.1); c.-39+2512G>A (NM_001309840.2); short protein forms G47S.
Identifiers: ClinVar variation 3033500 (VCV003033500.3), dbSNP rs2516801467, ClinGen allele CA409449099.
Genomic context (GRCh38, chr20:58,891,865, plus strand): 5'-GAGAAGCAGCTGCAGAAGGACAAGCAGGTCTACCGGGCCACGCACCGCCTGCTGCTGCTG[G>A]GTAAGGGCGGGCGGGGGGCGCCGGCCCCGGCCCGGGGGCCCTCGAAGGGCGCCCCGCAGG-3'
Protein context (NP_000507.1, residues 37-57): YRATHRLLLL[Gly47Ser]AGESGKSTIV